The following is an entry in ClinVar:

ClinVar aggregate classification (germline): Uncertain significance (1 of 4 stars; one submission).

Conditions:
ANLN-related disorder. Also called: ANLN-related condition.

gnomAD v4.1: 1 of 1,608,384 alleles (0.000062%); highest among the groups gnomAD compares: Non-Finnish European, 0.000085%; no homozygotes.

Submission:

PreventionGenetics, part of Exact Sciences
Classification: Uncertain significance for ANLN-related condition. Last evaluated: 2026-05-20. Review status: criteria provided, single submitter. Criteria: ACMG Guidelines, 2015. Collection method: clinical testing. Allele origin: germline.
Comment: The ANLN c.2179A>G variant is predicted to result in the amino acid substitution p.Ile727Val. To our knowledge, this variant has not been reported in the literature or in a large population database (gnomAD), indicating this variant is rare. At this time, the clinical significance of this variant is uncertain due to the absence of conclusive functional and genetic evidence.

NM_018685.5(ANLN):c.2179A>G (p.Ile727Val)

Gene: ANLN (anillin, actin binding protein; plus strand). Cytogenetic location: 7p14.2.
Variant type: single nucleotide variant.
Coding change: c.2179A>G on transcript NM_018685.5 (MANE Select); coding-DNA position 2179, A replaced by G.
Protein change: p.Ile727Val; replaces isoleucine 727 with valine.
Molecular consequence: missense variant.
Genome position (GRCh38, 1-based): chr7:36,421,872, A>G. VCF-style: chr7-36421872-A-G. GRCh37 (hg19) VCF-style: chr7-36461481-A-G.
Other names: c.2068A>G, p.Ile690Val (NM_001284301.3); c.2065A>G, p.Ile689Val (NM_001284302.3); short protein forms I689V, I690V, I727V.
Identifiers: ClinVar variation 4994743 (VCV004994743.1).
Genomic context (GRCh38, chr7:36,421,872, plus strand): 5'-GATTTAAAATGTGTATATTTTTTCTCCTCTCATTGGTTTTCCTAGGAACTCAATAACGAA[A>G]TAAATATGCAACAGACAGTGATCTATCAAGCTAGCCAGGCTCTTAACTGCTGTGTTGATG-3'
Protein context (NP_061155.2, residues 717-737): KQKMQELNNE[Ile727Val]NMQQTVIYQA